The following is an entry in ClinVar:

NM_000218.3(KCNQ1):c.1394-3914A>G

Genes: KCNQ1 (potassium voltage-gated channel subfamily Q member 1; plus strand), KCNQ1OT1 (KCNQ1 opposite strand/antisense transcript 1; minus strand). Cytogenetic location: 11p15.5.
Variant type: single nucleotide variant.
Coding change: c.1394-3914A>G on transcript NM_000218.3 (MANE Select); 3914 bases into the intron before coding-DNA position 1394, A replaced by G.
Molecular consequence: intron variant. On other transcripts: non-coding transcript variant (1).
Genome position (GRCh38, 1-based): chr11:2,658,047, A>G. VCF-style: chr11-2658047-A-G. GRCh37 (hg19) VCF-style: chr11-2679277-A-G.
Other names: c.1124-3914A>G (NM_001406837.1); c.1298-3914A>G (NM_001406836.1); c.854-3914A>G (NM_001406838.1); c.1013-3914A>G (NM_181798.2).
Identifiers: ClinVar variation 3234549 (VCV003234549.20), dbSNP rs749046608, ClinGen allele CA216167826.

ClinVar aggregate classification (germline): Likely benign (1 of 4 stars; one submission).

Allele frequency attached by ClinVar (database versions not stated): gnomAD 0.00027; TOPMed 0.00029; gnomAD exomes 0.00045.
gnomAD v4.1: 149 of 398,490 alleles (0.037%); highest among the groups gnomAD compares: South Asian, 0.076%; no homozygotes.

Submission:

CeGaT Center for Human Genetics Tuebingen
Classification: Likely benign. Last evaluated: 2026-08-01. Review status: criteria provided, single submitter. Criteria: CeGaT Center For Human Genetics Tuebingen Variant Classification Criteria Version 2. Collection method: clinical testing. Allele origin: germline. Affected: yes. Observed: 7 variant alleles.
Comment: KCNQ1OT1: BS1